The following is an entry in ClinVar:

NM_002439.5(MSH3):c.859A>G (p.Thr287Ala)

Gene: MSH3 (mutS homolog 3; plus strand). Cytogenetic location: 5q14.1.
Variant type: single nucleotide variant.
Coding change: c.859A>G on transcript NM_002439.5 (MANE Select); coding-DNA position 859, A replaced by G.
Protein change: p.Thr287Ala; replaces threonine 287 with alanine.
Molecular consequence: missense variant.
Genome position (GRCh38, 1-based): chr5:80,672,310, A>G. VCF-style: chr5-80672310-A-G. GRCh37 (hg19) VCF-style: chr5-79968129-A-G.
Other names: c.859A>G (NM_002439.3); short protein forms T287A.
Identifiers: ClinVar variation 1521624 (VCV001521624.10), dbSNP rs1482733280, ClinGen allele CA360267198.

ClinVar aggregate classification (germline): Uncertain significance. Review status: criteria provided, multiple submitters, no conflicts (2 of 4 stars). 2 submissions from 2 submitters: Uncertain significance (2). Last evaluated 2025-10-26.

Conditions:
Hereditary cancer-predisposing syndrome. Also called: Hereditary neoplastic syndrome; Hereditary Cancer Syndrome; Tumor predisposition; Neoplastic Syndromes, Hereditary. Identifiers: Orphanet 140162, MedGen C0027672, MeSH D009386, MONDO:0015356.

Allele frequency attached by ClinVar (database versions not stated): gnomAD exomes 0.00001.
gnomAD v4.1: 11 of 1,614,068 alleles (0.00068%); highest among the groups gnomAD compares: Non-Finnish European, 0.00093%; no homozygotes.

Submissions (2):

Labcorp Genetics (formerly Invitae), Labcorp
Classification: Uncertain significance. Last evaluated: 2025-10-26. Review status: criteria provided, single submitter. Criteria: Invitae Variant Classification Sherloc (09022015). Collection method: clinical testing. Allele origin: germline.
Comment: This sequence change replaces threonine, which is neutral and polar, with alanine, which is neutral and non-polar, at codon 287 of the MSH3 protein (p.Thr287Ala). This variant is present in population databases (no rsID available, gnomAD 0.002%). This variant has not been reported in the literature in individuals affected with MSH3-related conditions. ClinVar contains an entry for this variant (Variation ID: 1521624). An algorithm developed to predict the effect of missense changes on protein structure and function outputs the following: PolyPhen-2: "Benign". The alanine amino acid residue is found in multiple mammalian species, which suggests that this missense change does not adversely affect protein function. In summary, the available evidence is currently insufficient to determine the role of this variant in disease. Therefore, it has been classified as a Variant of Uncertain Significance.

Ambry Genetics
Classification: Uncertain significance for Hereditary cancer-predisposing syndrome. Last evaluated: 2025-07-14. Review status: criteria provided, single submitter. Criteria: Ambry Variant Classification Scheme 2023. Collection method: clinical testing. Allele origin: germline.
Comment: The p.T287A variant (also known as c.859A>G), located in coding exon 5 of the MSH3 gene, results from an A to G substitution at nucleotide position 859. The threonine at codon 287 is replaced by alanine, an amino acid with similar properties. This amino acid position is conserved. In addition, this alteration is predicted to be tolerated by in silico analysis. Since supporting evidence is limited at this time, the clinical significance of this alteration remains unclear.